The following is an entry in ClinVar:

ClinVar aggregate classification (germline): Likely benign (1 of 4 stars; one submission).

gnomAD v4.1: 907 of 1,612,064 alleles (0.056%); highest among the groups gnomAD compares: African/African-American, 0.98%; 5 homozygotes.

Submission:

CeGaT Center for Human Genetics Tuebingen
Classification: Likely benign. Last evaluated: 2026-05-01. Review status: criteria provided, single submitter. Criteria: CeGaT Center For Human Genetics Tuebingen Variant Classification Criteria Version 2. Collection method: clinical testing. Allele origin: germline. Affected: yes. Observed: 1 variant allele.
Comment: DAGLA: BP4, BP7

NM_006133.3(DAGLA):c.2637G>A (p.Glu879=)

Gene: DAGLA (diacylglycerol lipase alpha; plus strand). Cytogenetic location: 11q12.2.
Variant type: single nucleotide variant.
Coding change: c.2637G>A on transcript NM_006133.3 (MANE Select); coding-DNA position 2637, G replaced by A.
Protein change: p.Glu879=; no amino-acid change (glutamic acid 879 retained).
Molecular consequence: synonymous variant.
Genome position (GRCh38, 1-based): chr11:61,743,997, G>A. VCF-style: chr11-61743997-G-A. GRCh37 (hg19) VCF-style: chr11-61511469-G-A.
Identifiers: ClinVar variation 4872130 (VCV004872130.2).